The following is an entry in ClinVar:

NM_006386.5(DDX17):c.1727C>T (p.Pro576Leu)

Gene: DDX17 (DEAD-box helicase 17; minus strand). Cytogenetic location: 22q13.1.
Variant type: single nucleotide variant.
Coding change: c.1727C>T on transcript NM_006386.5 (MANE Select); coding-DNA position 1727, C replaced by T.
Protein change: p.Pro576Leu; replaces proline 576 with leucine.
Molecular consequence: missense variant.
Genome position (GRCh38, 1-based): chr22:38,486,398, G>A on the plus strand (C>T on the coding strand, the complement: DDX17 is on the minus strand). VCF-style: chr22-38486398-G-A. GRCh37 (hg19) VCF-style: chr22-38882403-G-A.
Other names: c.1733C>T, p.Pro578Leu (NM_001098504.2); short protein forms P576L, P578L.
Identifiers: ClinVar variation 5008526 (VCV005008526.1).

ClinVar aggregate classification (germline): Uncertain significance (1 of 4 stars; one submission).

Submission:

GeneDx
Classification: Uncertain significance. Last evaluated: 2026-03-20. Review status: criteria provided, single submitter. Criteria: GeneDx Variant Classification Process June 2021. Collection method: clinical testing. Allele origin: germline.
Comment: Not observed at significant frequency in large population cohorts (gnomAD); In silico analysis suggests that this missense variant does not alter protein structure/function; Has not been previously published as pathogenic or benign to our knowledge